The following is an entry in ClinVar:

NM_020719.3(PRR12):c.4268C>A (p.Pro1423His)

Gene: PRR12 (proline rich 12; plus strand). Cytogenetic location: 19q13.33.
Variant type: single nucleotide variant.
Coding change: c.4268C>A on transcript NM_020719.3 (MANE Select); coding-DNA position 4268, C replaced by A.
Protein change: p.Pro1423His; replaces proline 1423 with histidine.
Molecular consequence: missense variant.
Genome position (GRCh38, 1-based): chr19:49,599,861, C>A. VCF-style: chr19-49599861-C-A. GRCh37 (hg19) VCF-style: chr19-50103118-C-A.
Other names: short protein forms P1423H.
Identifiers: ClinVar variation 3783694 (VCV003783694.3).

ClinVar aggregate classification (germline): Uncertain significance. Review status: criteria provided, multiple submitters, no conflicts (2 of 4 stars). 2 submissions from 2 submitters: Uncertain significance (2). Last evaluated 2025-09-21.

Conditions:
Inborn genetic diseases. Identifiers: MedGen C0950123, MeSH D030342.

gnomAD v4.1: 1 of 1,613,066 alleles (0.000062%); highest among the groups gnomAD compares: African/African-American, 0.0013%; no homozygotes.

Submissions (2):

Dasa
Classification: Uncertain significance. Last evaluated: 2025-09-21. Review status: criteria provided, single submitter. Criteria: DASA Assertion Criteria. Collection method: clinical testing. Allele origin: germline.
Comment: NM_020719.3(PRR12):c.4268C>A (p.Pro1423His) is a missense variant that results in the substitution of proline with histidine. This variant is rare in population databases. Computational prediction algorithms are consistent with a benign effect. The currently available literature and clinical evidence are not sufficient to establish a definitive association between this variant and the reported condition. Therefore, this variant is classified as a variant of uncertain significance.

Ambry Genetics
Classification: Uncertain significance for Inborn genetic diseases. Last evaluated: 2024-12-16. Review status: criteria provided, single submitter. Criteria: Ambry Variant Classification Scheme 2023. Collection method: clinical testing. Allele origin: germline.